The following is an entry in ClinVar:

ClinVar aggregate classification (germline): Uncertain significance (1 of 4 stars; one submission).

Submission:

Labcorp Genetics (formerly Invitae), Labcorp
Classification: Uncertain significance. Last evaluated: 2025-09-22. Review status: criteria provided, single submitter. Criteria: Invitae Variant Classification Sherloc (09022015). Collection method: clinical testing. Allele origin: germline.
Comment: This sequence change replaces arginine, which is basic and polar, with histidine, which is basic and polar, at codon 235 of the KCNQ5 protein (p.Arg235His). This variant is not present in population databases (gnomAD no frequency). This variant has not been reported in the literature in individuals affected with KCNQ5-related conditions. Invitae Evidence Modeling of protein sequence and biophysical properties (such as structural, functional, and spatial information, amino acid conservation, physicochemical variation, residue mobility, and thermodynamic stability) indicates that this missense variant is expected to disrupt KCNQ5 protein function with a positive predictive value of 80%. In summary, the available evidence is currently insufficient to determine the role of this variant in disease. Therefore, it has been classified as a Variant of Uncertain Significance.

NM_019842.4(KCNQ5):c.704G>A (p.Arg235His)

Gene: KCNQ5 (potassium voltage-gated channel subfamily Q member 5; plus strand). Cytogenetic location: 6q13.
Variant type: single nucleotide variant.
Coding change: c.704G>A on transcript NM_019842.4 (MANE Select); coding-DNA position 704, G replaced by A.
Protein change: p.Arg235His; replaces arginine 235 with histidine.
Molecular consequence: missense variant.
Genome position (GRCh38, 1-based): chr6:73,077,409, G>A. VCF-style: chr6-73077409-G-A. GRCh37 (hg19) VCF-style: chr6-73787132-G-A.
Other names: c.704G>A, p.Arg235His (NM_001160130.2, NM_001160132.2, NM_001160133.2 and 1 more transcripts); short protein forms R235H.
Identifiers: ClinVar variation 4797576 (VCV004797576.1).